The following is an entry in ClinVar:

ClinVar aggregate classification (germline): Uncertain significance. Review status: criteria provided, multiple submitters, no conflicts (2 of 4 stars). 2 submissions from 2 submitters: Uncertain significance (2). Last evaluated 2025-12-22.

Conditions:
Dyskeratosis congenita, autosomal dominant 2. Identifiers: MedGen C3151443, MONDO:0013521, OMIM 613989.
Idiopathic Pulmonary Fibrosis. Also called: Idiopathic fibrosing alveolitis, chronic form; idiopathic fibrosing alveolitis. Identifiers: Orphanet 2032, MedGen C1800706, MeSH D054990, MONDO:0800504.
Dyskeratosis congenita. Identifiers: Orphanet 1775, MedGen C0265965, MONDO:0015780.

Submissions (2):

Labcorp Genetics (formerly Invitae), Labcorp
Classification: Uncertain significance for Dyskeratosis congenita, autosomal dominant 2; Idiopathic Pulmonary Fibrosis. Last evaluated: 2025-12-22. Review status: criteria provided, single submitter. Criteria: Invitae Variant Classification Sherloc (09022015). Collection method: clinical testing. Allele origin: germline.
Comment: This sequence change replaces threonine, which is neutral and polar, with alanine, which is neutral and non-polar, at codon 999 of the TERT protein (p.Thr999Ala). This variant is not present in population databases (gnomAD no frequency). This variant has not been reported in the literature in individuals affected with TERT-related conditions. ClinVar contains an entry for this variant (Variation ID: 942114). Invitae Evidence Modeling of protein sequence and biophysical properties (such as structural, functional, and spatial information, amino acid conservation, physicochemical variation, residue mobility, and thermodynamic stability) indicates that this missense variant is not expected to disrupt TERT protein function with a negative predictive value of 95%. In summary, the available evidence is currently insufficient to determine the role of this variant in disease. Therefore, it has been classified as a Variant of Uncertain Significance.

Ambry Genetics
Classification: Uncertain significance for Dyskeratosis congenita. Last evaluated: 2025-02-01. Review status: criteria provided, single submitter. Criteria: Ambry Variant Classification Scheme 2023. Collection method: clinical testing. Allele origin: germline.
Comment: The p.T999A variant (also known as c.2995A>G), located in coding exon 13 of the TERT gene, results from an A to G substitution at nucleotide position 2995. The threonine at codon 999 is replaced by alanine, an amino acid with similar properties. This amino acid position is conserved. In addition, this alteration is predicted to be tolerated by in silico analysis. Based on the available evidence, the clinical significance of this variant remains unclear.

NM_198253.3(TERT):c.2995A>G (p.Thr999Ala)

Gene: TERT (telomerase reverse transcriptase; minus strand). Cytogenetic location: 5p15.33.
Variant type: single nucleotide variant.
Coding change: c.2995A>G on transcript NM_198253.3 (MANE Select); coding-DNA position 2995, A replaced by G.
Protein change: p.Thr999Ala; replaces threonine 999 with alanine.
Molecular consequence: missense variant. On other transcripts: non-coding transcript variant (2).
Genome position (GRCh38, 1-based): chr5:1,258,635, T>C on the plus strand (A>G on the coding strand, the complement: TERT is on the minus strand). VCF-style: chr5-1258635-T-C. GRCh37 (hg19) VCF-style: chr5-1258750-T-C.
Other names: c.2806A>G, p.Thr936Ala (NM_001193376.3); short protein forms T936A, T999A.
Identifiers: ClinVar variation 942114 (VCV000942114.11), dbSNP rs1747930885, ClinGen allele CA359068901.
Genomic context (GRCh38, chr5:1,258,635, plus strand): 5'-TGCACCCCTTGGTGGCGGCTCACCTGTACGCCTGCAGCAGGAGGATCTTGTAGATGTTGG[T>C]GCACACCGTCTGGAGGCTGTTCACCTAGAGTCGCCAAGAAAGAGTGAGAAACGGTAGAAA-3'
Protein context (NP_937983.2, residues 989-1009): LQVNSLQTVC[Thr999Ala]NIYKILLLQA